The following is an entry in ClinVar:

ClinVar aggregate classification (germline): Pathogenic (3 of 4 stars; one submission).

Conditions:
Glanzmann thrombasthenia. Also called: PLATELET GLYCOPROTEIN IIb-IIIa DEFICIENCY; BLEEDING DISORDER, PLATELET-TYPE, 2; THROMBASTHENIA OF GLANZMANN AND NAEGELI; Thrombasthenia; Glanzmann's thrombasthenia. Identifiers: Orphanet 849, MedGen C0040015, MONDO:0100326.

Submission:

ClinGen Platelet Disorders Variant Curation Expert Panel, ClinGen
Classification: Pathogenic for Glanzmann thrombasthenia. Last evaluated: 2022-04-07. Review status: reviewed by expert panel. Criteria: ClinGen Platelet ACMG Specifications v2-1. Collection method: curation. Allele origin: germline. Inheritance: Autosomal recessive inheritance.
Comment: The NM_000212.3(ITGB3):c.118C>T (p.Gln40Ter) variant in exon 2/15 is a nonsense variant predicted to lead to nonsense mediated decay in a gene in which loss-of-function is an established disease mechanism (PVS1). This variant is absent from gnomAD v2.1.1 (PM2_Supporting). At least one patient (Patient GT8 in PMID:25373348) with this variant displayed mucocutaneous bleeding and impaired aggregation with all agonists except ristocetin, which is highly specific for Glanzmann thrombasthenia. Additionally, αIIbβ3 surface expression was severely reduced, as measured by flow cytometry and Western blot. ITGA2B and ITGB3 were sequenced across all exons and intron/exon boundaries (PP4_strong). In summary this variant meets criteria to be classified as Pathogenic for autosomal recessive Glanzmann Thrombasthenia based on the ACMG/AMP criteria applied, as specified by the ClinGen PD VCEP: PP4_strong, PVS1, PM2_supporting. (VCEP specifications version 2; date of approval 02/03/2022)

NM_000212.3(ITGB3):c.118C>T (p.Gln40Ter)

Gene: ITGB3 (integrin subunit beta 3; plus strand). Cytogenetic location: 17q21.32.
Variant type: single nucleotide variant.
Coding change: c.118C>T on transcript NM_000212.3 (MANE Select); coding-DNA position 118, C replaced by T.
Protein change: p.Gln40Ter; replaces glutamine 40 with a stop codon.
Molecular consequence: nonsense.
Genome position (GRCh38, 1-based): chr17:47,274,457, C>T. VCF-style: chr17-47274457-C-T. GRCh37 (hg19) VCF-style: chr17-45351823-C-T.
Other names: NM_000212.3:c.118C>T; short protein forms Q40*.
Identifiers: ClinVar variation 1879041 (VCV001879041.1), dbSNP rs2547613559, ClinGen allele CA400031679.